The following is an entry in ClinVar:

NM_004655.4(AXIN2):c.2018C>T (p.Thr673Ile)

Gene: AXIN2 (axin 2; minus strand). Cytogenetic location: 17q24.1.
Variant type: single nucleotide variant.
Coding change: c.2018C>T on transcript NM_004655.4 (MANE Select); coding-DNA position 2018, C replaced by T.
Protein change: p.Thr673Ile; replaces threonine 673 with isoleucine.
Molecular consequence: missense variant.
Genome position (GRCh38, 1-based): chr17:65,536,443, G>A on the plus strand (C>T on the coding strand, the complement: AXIN2 is on the minus strand). VCF-style: chr17-65536443-G-A. GRCh37 (hg19) VCF-style: chr17-63532561-G-A.
Other names: c.2018C>T (LRG_296t1); c.1823C>T, p.Thr608Ile (NM_001363813.1); short protein forms T673I, T608I.
Identifiers: ClinVar variation 464590 (VCV000464590.13), dbSNP rs576688801, ClinGen allele CA400676148.
Genomic context (GRCh38, chr17:65,536,443, plus strand): 5'-GTGTTGGGTGGGGTCAGGGGAGGCATCGCAGGGTCCTGGGTGAACAGGTGGGCACGGGGG[G>A]TGGTGCGGGGGTGCCCGCTGTTGCCCCCCCACAGATGGTGCCGGCTGGCTCGTTCGCCTG-3'
Protein context (NP_004646.3, residues 663-683): WGGNSGHPRT[Thr673Ile]PRAHLFTQDP

ClinVar aggregate classification (germline): Uncertain significance. Review status: criteria provided, multiple submitters, no conflicts (2 of 4 stars). 2 submissions from 2 submitters: Uncertain significance (2). Last evaluated 2025-04-21.

Conditions:
Hereditary cancer-predisposing syndrome. Also called: Neoplastic Syndromes, Hereditary; Tumor predisposition; Hereditary Cancer Syndrome; Hereditary neoplastic syndrome. Identifiers: Orphanet 140162, MedGen C0027672, MeSH D009386, MONDO:0015356.
Oligodontia-cancer predisposition syndrome. Also called: TOOTH AGENESIS-COLORECTAL CANCER SYNDROME. Identifiers: Orphanet 300576, MedGen C1837750, MONDO:0012075, OMIM 608615. Disease mechanism: loss of function.

Allele frequency attached by ClinVar (database versions not stated): TOPMed below 0.00001; gnomAD exomes 0.00001.
gnomAD v4.1: 2 of 1,601,520 alleles (0.00012%); highest among the groups gnomAD compares: Admixed American, 0.0034%; no homozygotes.

Submissions (2):

Labcorp Genetics (formerly Invitae), Labcorp
Classification: Uncertain significance for Oligodontia-cancer predisposition syndrome. Last evaluated: 2025-04-21. Review status: criteria provided, single submitter. Criteria: Invitae Variant Classification Sherloc (09022015). Collection method: clinical testing. Allele origin: germline.
Comment: This sequence change replaces threonine, which is neutral and polar, with isoleucine, which is neutral and non-polar, at codon 673 of the AXIN2 protein (p.Thr673Ile). This variant is present in population databases (no rsID available, gnomAD 0.006%). This variant has not been reported in the literature in individuals affected with AXIN2-related conditions. ClinVar contains an entry for this variant (Variation ID: 464590). Invitae Evidence Modeling of protein sequence and biophysical properties (such as structural, functional, and spatial information, amino acid conservation, physicochemical variation, residue mobility, and thermodynamic stability) indicates that this missense variant is not expected to disrupt AXIN2 protein function with a negative predictive value of 80%. In summary, the available evidence is currently insufficient to determine the role of this variant in disease. Therefore, it has been classified as a Variant of Uncertain Significance.

Ambry Genetics
Classification: Uncertain significance for Hereditary cancer-predisposing syndrome. Last evaluated: 2023-07-25. Review status: criteria provided, single submitter. Criteria: Ambry Variant Classification Scheme 2023. Collection method: clinical testing. Allele origin: germline.
Comment: The p.T673I variant (also known as c.2018C>T), located in coding exon 7 of the AXIN2 gene, results from a C to T substitution at nucleotide position 2018. The threonine at codon 673 is replaced by isoleucine, an amino acid with similar properties. This amino acid position is conserved. In addition, this alteration is predicted to be tolerated by in silico analysis. Since supporting evidence is limited at this time, the clinical significance of this alteration remains unclear.